The following is an entry in ClinVar:

ClinVar aggregate classification (germline): Uncertain significance. Review status: criteria provided, multiple submitters, no conflicts (2 of 4 stars). 3 submissions from 3 submitters: Uncertain significance (2). 1 of the submissions does not count toward it. Last evaluated 2022-08-09.

Conditions:
Usher syndrome type 1F (USH1F). Also called: USHER SYNDROME, TYPE IF. Identifiers: Orphanet 231169, Orphanet 886, MedGen C1865885, MONDO:0011186, OMIM 602083.

Allele frequency attached by ClinVar (database versions not stated): TOPMed 0.00001.

Submissions (3):

Labcorp Genetics (formerly Invitae), Labcorp
Classification: Uncertain significance. Last evaluated: 2022-08-09. Review status: criteria provided, single submitter. Criteria: Invitae Variant Classification Sherloc (09022015). Collection method: clinical testing. Allele origin: germline.
Comment: In summary, the available evidence is currently insufficient to determine the role of this variant in disease. Therefore, it has been classified as a Variant of Uncertain Significance. Algorithms developed to predict the effect of missense changes on protein structure and function are either unavailable or do not agree on the potential impact of this missense change (SIFT: "Tolerated"; PolyPhen-2: "Possibly Damaging"; Align-GVGD: "Class C0"). ClinVar contains an entry for this variant (Variation ID: 618776). This variant has not been reported in the literature in individuals affected with PCDH15-related conditions. This variant is not present in population databases (gnomAD no frequency). This sequence change replaces isoleucine, which is neutral and non-polar, with threonine, which is neutral and polar, at codon 481 of the PCDH15 protein (p.Ile481Thr).

ARUP Laboratories, Molecular Genetics and Genomics, ARUP Laboratories
Classification: Uncertain significance. Last evaluated: 2017-06-02. Review status: criteria provided, single submitter. Criteria: ARUP Molecular Germline Variant Investigation Process. Collection method: clinical testing. Allele origin: germline.
Comment: The p.Ile481Thr variant has not been reported in the medical literature, gene specific variation databases, nor has it been previously identified by our laboratory. It is absent from general population databases such as 1000 Genomes, NHLBI GO Exome Sequencing Project (ESP), and the Exome Aggregation Consortium (ExAC) browser. The isoleucine at position 481 is weakly conserved (considering 12 species, Alamut v.2.9.0) but computational analyses of the effects of the p.Ile481Thr variant on protein structure and function predict a deleterious effect (SIFT: damaging, MutationTaster: disease causing, PolyPhen-2: possibly damaging). Altogether, there is not enough evidence to classify the p.Ile481Thr variant with certainty

Natera, Inc.
Classification: Uncertain significance for Usher syndrome type 1F. Last evaluated: 2021-02-23. Review status: no assertion criteria provided. Collection method: clinical testing. Allele origin: germline. Not counted in ClinVar's aggregate classification.

NM_001384140.1(PCDH15):c.1442T>C (p.Ile481Thr)

Gene: PCDH15 (protocadherin related 15; minus strand). Cytogenetic location: 10q21.1.
Variant type: single nucleotide variant.
Coding change: c.1442T>C on transcript NM_001384140.1 (MANE Select); coding-DNA position 1442, T replaced by C.
Protein change: p.Ile481Thr; replaces isoleucine 481 with threonine.
Molecular consequence: missense variant.
Genome position (GRCh38, 1-based): chr10:54,183,592, A>G on the plus strand (T>C on the coding strand, the complement: PCDH15 is on the minus strand). VCF-style: chr10-54183592-A-G. GRCh37 (hg19) VCF-style: chr10-55943352-A-G.
Other names: c.1457T>C, p.Ile486Thr (NM_001142763.2, NM_001142771.2); c.1442T>C, p.Ile481Thr (NM_001142764.2, NM_001142765.2, NM_001142766.2 and 6 more transcripts); c.1331T>C, p.Ile444Thr (NM_001142767.2); c.1376T>C, p.Ile459Thr (NM_001142768.2, NM_001142773.2, NM_001354404.2); c.1478T>C, p.Ile493Thr (NM_001142769.4); c.1463T>C, p.Ile488Thr (NM_001354411.2); short protein forms I481T, I444T, I459T, I493T, I486T, I488T.
Identifiers: ClinVar variation 618776 (VCV000618776.13), dbSNP rs1564625358, ClinGen allele CA376514769.
Genomic context (GRCh38, chr10:54,183,592, plus strand): 5'-TCCATCACTTGAATATTGACGATGACTGGCTCACTTTCTTGTACACCATCAAATGCTGTT[A>G]TCTTTGGGAGGAGAAAAATACACTTAGTAGAGATGTTCTGCAAATATAAGTAGTACAGAG-3'
Protein context (NP_001371069.1, residues 471-491): REEQQTYTFS[Ile481Thr]TAFDGVQESE